The following is an entry in ClinVar:

NM_198253.3(TERT):c.1314C>T (p.Pro438=)

Gene: TERT (telomerase reverse transcriptase; minus strand). Cytogenetic location: 5p15.33.
Variant type: single nucleotide variant.
Coding change: c.1314C>T on transcript NM_198253.3 (MANE Select); coding-DNA position 1314, C replaced by T.
Protein change: p.Pro438=; no amino-acid change (proline 438 retained).
Molecular consequence: synonymous variant. On other transcripts: non-coding transcript variant (2).
Genome position (GRCh38, 1-based): chr5:1,293,572, G>A on the plus strand (C>T on the coding strand, the complement: TERT is on the minus strand). VCF-style: chr5-1293572-G-A. GRCh37 (hg19) VCF-style: chr5-1293687-G-A.
Other names: c.1314C>T, p.Pro438= (NM_001193376.3).
Identifiers: ClinVar variation 471821 (VCV000471821.27), dbSNP rs1246997503, ClinGen allele CA443240390.

ClinVar aggregate classification (germline): Likely benign. Review status: criteria provided, multiple submitters, no conflicts (2 of 4 stars). 4 submissions from 4 submitters: Likely benign (4). Last evaluated 2025-01-26.

Conditions:
Idiopathic Pulmonary Fibrosis. Also called: Idiopathic fibrosing alveolitis, chronic form; idiopathic fibrosing alveolitis. Identifiers: Orphanet 2032, MedGen C1800706, MeSH D054990, MONDO:0800504.
Dyskeratosis congenita, autosomal dominant 2. Identifiers: MedGen C3151443, MONDO:0013521, OMIM 613989.
Dyskeratosis congenita. Identifiers: Orphanet 1775, MedGen C0265965, MONDO:0015780.

Allele frequency attached by ClinVar (database versions not stated): gnomAD exomes 0.00001.

Submissions (4):

Labcorp Genetics (formerly Invitae), Labcorp
Classification: Likely benign for Dyskeratosis congenita, autosomal dominant 2; Idiopathic Pulmonary Fibrosis. Last evaluated: 2025-01-26. Review status: criteria provided, single submitter. Criteria: Invitae Variant Classification Sherloc (09022015). Collection method: clinical testing. Allele origin: germline.

CeGaT Center for Human Genetics Tuebingen
Classification: Likely benign. Last evaluated: 2025-01-01. Review status: criteria provided, single submitter. Criteria: CeGaT Center For Human Genetics Tuebingen Variant Classification Criteria Version 2. Collection method: clinical testing. Allele origin: germline. Affected: yes. Observed: 1 variant allele.
Comment: TERT: BP4, BP7

Ambry Genetics
Classification: Likely benign for Dyskeratosis congenita. Last evaluated: 2022-02-27. Review status: criteria provided, single submitter. Criteria: Ambry Variant Classification Scheme 2023. Collection method: clinical testing. Allele origin: germline.

Blueprint Genetics
Classification: Likely benign. Last evaluated: 2021-08-26. Review status: criteria provided, single submitter. Criteria: ACMG Guidelines, 2015. Collection method: clinical testing. Allele origin: germline.